The following is an entry in ClinVar:

NM_000516.7(GNAS):c.423C>T (p.Asp141=)

Gene: GNAS (GNAS complex locus; plus strand). Cytogenetic location: 20q13.32.
Variant type: single nucleotide variant.
Coding change: c.423C>T on transcript NM_000516.7 (MANE Select); coding-DNA position 423, C replaced by T.
Protein change: p.Asp141=; no amino-acid change (aspartic acid 141 retained).
Molecular consequence: synonymous variant. On other transcripts: 3 prime UTR variant (2).
Genome position (GRCh38, 1-based): chr20:58,903,782, C>T. VCF-style: chr20-58903782-C-T. GRCh37 (hg19) VCF-style: chr20-57478837-C-T.
Other names: c.426C>T, p.Asp142= (NM_001077488.5); c.378C>T, p.Asp126= (NM_001077489.4); c.*284C>T (NM_001077490.3); c.246C>T, p.Asp82= (NM_001309840.2, NM_001309861.2, NM_001438276.1 and 1 more transcripts); c.327C>T, p.Asp109= (NM_001410912.1); c.2307C>T, p.Asp769= (NM_001410913.1); c.201C>T, p.Asp67= (NM_001438273.1, NM_001438274.1, NM_001438275.1); c.*329C>T (NM_016592.5); and 2 more.
Identifiers: ClinVar variation 4994445 (VCV004994445.1).

ClinVar aggregate classification (germline): Likely benign (1 of 4 stars; one submission).

Conditions:
GNAS-related disorder. Identifiers: MedGen CN380105.

Submission:

PreventionGenetics, part of Exact Sciences
Classification: Likely benign for GNAS-related condition. Last evaluated: 2026-02-09. Review status: criteria provided, single submitter. Criteria: ACMG Guidelines, 2015. Collection method: clinical testing. Allele origin: germline.
Comment: This variant is classified as likely benign based on ACMG/AMP sequence variant interpretation guidelines (Richards et al. 2015 PMID: 25741868, with internal and published modifications).